The following is an entry in ClinVar:

ClinVar aggregate classification (germline): Uncertain significance (0 of 4 stars; one submission).

Conditions:
ANXA11-related disorder. Also called: ANXA11-related condition.

gnomAD v4.1: 3 of 1,521,600 alleles (0.0002%); highest among the groups gnomAD compares: Non-Finnish European, 0.00026%; no homozygotes.

Submissions (2):

PreventionGenetics, part of Exact Sciences
Classification: Uncertain significance for ANXA11-related condition. Last evaluated: 2023-12-06. Review status: no assertion criteria provided. Collection method: clinical testing. Allele origin: germline.
Comment: The ANXA11 c.561+4A>T variant is predicted to interfere with splicing. This variant is predicted to weaken the canonical splice donor site, although computational predictions are not equivalent to functional evidence (SpliceAI, Jaganathan et al. 2019. PubMed ID: 30661751). To our knowledge, this variant has not been reported in the literature. This variant is reported in 0.0013% of alleles in individuals of European (Non-Finnish) descent in gnomAD. At this time, the clinical significance of this variant is uncertain due to the absence of conclusive functional and genetic evidence.

Dr. Peter K. Rogan Lab, Western University
No classification provided (evidence only). Condition: Sarcoma. Review status: no classification provided. Collection method: in vitro. Allele origin: not applicable. Functional consequence: skipped exon. Not counted in ClinVar's aggregate classification.

NM_145868.2(ANXA11):c.561+4A>T

Gene: ANXA11 (annexin A11; minus strand). Cytogenetic location: 10q22.3.
Variant type: single nucleotide variant.
Coding change: c.561+4A>T on transcript NM_145868.2 (MANE Select); 4 bases into the intron after coding-DNA position 561, A replaced by T.
Molecular consequence: intron variant.
Genome position (GRCh38, 1-based): chr10:80,168,965, T>A on the plus strand (A>T on the coding strand, the complement: ANXA11 is on the minus strand). VCF-style: chr10-80168965-T-A. GRCh37 (hg19) VCF-style: chr10-81928721-T-A.
Other names: NC_000010.10:g.81928721T>A; c.561+4A>T (NM_001278407.2, NM_001157.3, NM_145869.2 and 1 more transcripts); c.462+4A>T (NM_001278409.2).
Identifiers: ClinVar variation 3348819 (VCV003348819.2).